The following is an entry in ClinVar:

ClinVar aggregate classification (germline): Uncertain significance (1 of 4 stars; one submission).

Submission:

GeneDx
Classification: Uncertain significance. Last evaluated: 2017-03-16. Review status: criteria provided, single submitter. Criteria: GeneDx Variant Classification (06012015). Collection method: clinical testing. Allele origin: germline. Affected: yes.
Comment: A variant of uncertain significance has been identified in the CNTNAP2 gene. The c.252 G>C variant has not been published as a pathogenic variant, nor has it been reported as a benign variant to our knowledge. The c.252 G>C variant is not observed in large population cohorts (Lek et al., 2016; 1000 Genomes Consortium et al., 2015; Exome Variant Server). Several in-silico splice prediction models predict that c.252 G>C enhances or creates a cryptic acceptor site which may supplant the natural acceptor site and lead to abnormal gene splicing. However, in the absence of RNA/functional studies, the actual effect of this sequence change in this individual is unknown. If the c.252 G>C does not affect splicing, it will result in a W84C missense substitution. The W84C variant is a non-conservative amino acid substitution, which is likely to impact secondary protein structure as these residues differ in polarity, charge, size and/or other properties. This substitution occurs at a position that is conserved across species, and in silico analysis predicts this variant is probably damaging to the protein structure/function. Therefore, based on the currently available information, it is unclear whether this variant is a pathogenic variant or a rare benign variant.

NM_014141.6(CNTNAP2):c.252G>C (p.Trp84Cys)

Gene: CNTNAP2 (contactin associated protein 2; plus strand). Cytogenetic location: 7q35.
Variant type: single nucleotide variant.
Coding change: c.252G>C on transcript NM_014141.6 (MANE Select); coding-DNA position 252, G replaced by C.
Protein change: p.Trp84Cys; replaces tryptophan 84 with cysteine.
Molecular consequence: missense variant.
Genome position (GRCh38, 1-based): chr7:146,839,754, G>C. VCF-style: chr7-146839754-G-C. GRCh37 (hg19) VCF-style: chr7-146536846-G-C.
Other names: short protein forms W84C.
Identifiers: ClinVar variation 424301 (VCV000424301.2), dbSNP rs267601384, ClinGen allele CA16618371.